The following is an entry in ClinVar:

ClinVar aggregate classification (germline): Pathogenic/Likely pathogenic. Review status: criteria provided, multiple submitters, no conflicts (2 of 4 stars). 3 submissions from 3 submitters: Pathogenic (2); Likely pathogenic (1). Last evaluated 2024-07-25.

Conditions:
3-methylglutaconic aciduria, type VIIB (MGCA7B). Also called: 3-methylglutaconic aciduria, type VII, with cataracts, neurologic involvement and neutropenia; 3-methylglutaconic aciduria with cataracts, neurologic involvement and neutropenia; CLPB Deficiency. Identifiers: Orphanet 445038, MedGen C5676893, MONDO:0014561, OMIM 616271.

Allele frequency attached by ClinVar (database versions not stated): gnomAD 0.00001; gnomAD exomes 0.00001 and 0.00003; TOPMed 0.00002; ExAC 0.00003; 1000 Genomes Project 30x 0.00016; 1000 Genomes Project 0.00020.
gnomAD v4.1: 15 of 1,612,174 alleles (0.00093%); highest among the groups gnomAD compares: Admixed American, 0.013%; no homozygotes.

Submissions (3):

GeneDx
Classification: Likely pathogenic. Last evaluated: 2024-07-25. Review status: criteria provided, single submitter. Criteria: GeneDx Variant Classification Process June 2021. Collection method: clinical testing. Allele origin: germline. Affected: yes.
Comment: Identified via exome sequencing in at least one patient from a cohort of patients with nonsyndromic cleft lip with or without cleft palate; however, detailed clinical information was not provided (PMID: 36468602); Nonsense variant predicted to result in protein truncation or nonsense mediated decay in a gene for which loss of function is a known mechanism of disease; This variant is associated with the following publications: (PMID: 36468602)

Revvity Omics, Revvity
Classification: Pathogenic. Last evaluated: 2019-10-31. Review status: criteria provided, single submitter. Criteria: ACMG Guidelines, 2015. Collection method: clinical testing. Allele origin: germline.

Mendelics
Classification: Pathogenic for 3-methylglutaconic aciduria, type VIIB. Last evaluated: 2019-05-28. Review status: criteria provided, single submitter. Criteria: Mendelics Assertion Criteria 2017. Collection method: clinical testing. Allele origin: unknown.

NM_001258392.3(CLPB):c.934C>T (p.Arg312Ter)

Gene: CLPB (ClpB family mitochondrial disaggregase; minus strand). Cytogenetic location: 11q13.4.
Variant type: single nucleotide variant.
Coding change: c.934C>T on transcript NM_001258392.3 (MANE Select); coding-DNA position 934, C replaced by T.
Protein change: p.Arg312Ter; replaces arginine 312 with a stop codon.
Molecular consequence: nonsense.
Genome position (GRCh38, 1-based): chr11:72,317,160, G>A on the plus strand (C>T on the coding strand, the complement: CLPB is on the minus strand). VCF-style: chr11-72317160-G-A. GRCh37 (hg19) VCF-style: chr11-72028204-G-A.
Other names: c.1024C>T (NM_030813.5); c.847C>T, p.Arg283Ter (NM_001258393.3); c.889C>T, p.Arg297Ter (NM_001258394.3); c.1024C>T, p.Arg342Ter (NM_030813.6); short protein forms R342*, R283*, R297*, R312*.
Identifiers: ClinVar variation 802698 (VCV000802698.6), dbSNP rs185461628, ClinGen allele CA6171324.
Genomic context (GRCh38, chr11:72,317,160, plus strand): 5'-ACTCACCAGCACCCACTGTGGCGATGGCGCTCTCCTGGCCAATGATGTGCTCCTTTAGTC[G>A]CTGCTCCAGGGGGAAGCGGCGCCGCTCCTCAGCCTCACGCTTCCGCTGCTTCTCTTGGTA-3'